The following is an entry in ClinVar:

NM_000202.8(IDS):c.1181-5_1186del

Gene: IDS (iduronate 2-sulfatase; minus strand). Cytogenetic location: Xq28.
Variant type: Deletion.
Coding change: c.1181-5_1186del on transcript NM_000202.8 (MANE Select); 5 bases into the intron before coding-DNA position 1181 through coding-DNA position 1186, 11 bases deleted (TTCAGGCAGGC).
Molecular consequence: splice acceptor variant.
Genome position (GRCh38, 1-based): chrX:149,483,213-149,483,223, GCCTGCCTGAA deleted on the plus strand (TTCAGGCAGGC on the coding strand, the reverse complement: IDS is on the minus strand). VCF-style (leftmost placement, unchanged base first): chrX-149483212-TGCCTGCCTGAA-T. GRCh37 (hg19) VCF-style: chrX-148564743-TGCCTGCCTGAA-T.
Other names: c.911-5_916del (NM_001166550.4).
Identifiers: ClinVar variation 3255979 (VCV003255979.2).

ClinVar aggregate classification (germline): Likely pathogenic (1 of 4 stars; one submission).

Conditions:
Mucopolysaccharidosis, MPS-II (MPS2). Also called: Hunter Syndrome; IDURONATE 2-SULFATASE DEFICIENCY; Mucopolysaccharidosis Type II; Mucopolysaccharidosis type 2; Attenuated MPS (subtype; formerly known as mild MPS II); Severe MPS II. Identifiers: Orphanet 580, Orphanet 79388, MedGen C0026705, MONDO:0010674, OMIM 309900.

Submission:

Laboratory of Diagnosis and Therapy of Lysosomal Disorders, University of Padova
Classification: Likely pathogenic for Mucopolysaccharidosis, MPS-II. Last evaluated: 2024-06-07. Review status: criteria provided, single submitter. Criteria: ACMG Guidelines, 2015. Collection method: literature only. Allele origin: germline. Affected: yes. Observed: 1 variant allele.
Comment: Null variant (PVS1_Moderate), Absent from controls (or at low frequency) in gnomAD database (PM2_Moderate), Patient’s phenotype or family history highly specific for the disease (PP4_Strong)

Classification method: ACMG Guidelines [PMID:25741868] with modifications

Literature cited by the submitters: PubMed 36945845.